The following is an entry in ClinVar:

NM_013339.4(ALG6):c.816+4T>G

Gene: ALG6 (ALG6 alpha-1,3-glucosyltransferase; plus strand). Cytogenetic location: 1p31.3.
Variant type: single nucleotide variant.
Coding change: c.816+4T>G on transcript NM_013339.4 (MANE Select); 4 bases into the intron after coding-DNA position 816, T replaced by G.
Molecular consequence: intron variant.
Genome position (GRCh38, 1-based): chr1:63,412,065, T>G. VCF-style: chr1-63412065-T-G. GRCh37 (hg19) VCF-style: chr1-63877736-T-G.
Identifiers: ClinVar variation 1905869 (VCV001905869.15), dbSNP rs762931650, ClinGen allele CA737739776.

ClinVar aggregate classification (germline): Uncertain significance. Review status: criteria provided, multiple submitters, no conflicts (2 of 4 stars). 2 submissions from 2 submitters: Uncertain significance (2). Last evaluated 2025-05-01.

Conditions:
ALG6-congenital disorder of glycosylation 1C (CDG1C). Also called: CDG Ic; CARBOHYDRATE-DEFICIENT GLYCOPROTEIN SYNDROME, TYPE I, WITH DEFICIENT GLYCOSYLATION OF DOLICHOL-LINKED OLIGOSACCHARIDE; CARBOHYDRATE-DEFICIENT GLYCOPROTEIN SYNDROME, TYPE V; Congenital disorder of glycosylation type 1C; Congenital disorder of glycosylation, type Ic. Identifiers: Orphanet 79320, MedGen C2930997, MONDO:0011291, OMIM 603147.

gnomAD v4.1: 1 of 1,613,962 alleles (0.000062%); highest among the groups gnomAD compares: Non-Finnish European, 0.000085%; no homozygotes.

Submissions (2):

CeGaT Center for Human Genetics Tuebingen
Classification: Uncertain significance. Last evaluated: 2025-05-01. Review status: criteria provided, single submitter. Criteria: CeGaT Center For Human Genetics Tuebingen Variant Classification Criteria Version 2. Collection method: clinical testing. Allele origin: germline. Affected: yes. Observed: 1 variant allele.
Comment: ALG6: PM2, BP4

Labcorp Genetics (formerly Invitae), Labcorp
Classification: Uncertain significance for ALG6-congenital disorder of glycosylation 1C. Last evaluated: 2022-09-15. Review status: criteria provided, single submitter. Criteria: Invitae Variant Classification Sherloc (09022015). Collection method: clinical testing. Allele origin: germline.
Comment: In summary, the available evidence is currently insufficient to determine the role of this variant in disease. Therefore, it has been classified as a Variant of Uncertain Significance. Variants that disrupt the consensus splice site are a relatively common cause of aberrant splicing (PMID: 17576681, 9536098). Algorithms developed to predict the effect of sequence changes on RNA splicing suggest that this variant is not likely to affect RNA splicing. This variant has not been reported in the literature in individuals affected with ALG6-related conditions. This variant is not present in population databases (gnomAD no frequency). This sequence change falls in intron 9 of the ALG6 gene. It does not directly change the encoded amino acid sequence of the ALG6 protein. It affects a nucleotide within the consensus splice site.

Literature cited by the submitters: PubMed 17576681 (cited by Labcorp Genetics (formerly Invitae), Labcorp); PubMed 9536098 (cited by Labcorp Genetics (formerly Invitae), Labcorp).